The following is an entry in ClinVar:

ClinVar aggregate classification (germline): Uncertain significance (1 of 4 stars; one submission).

Allele frequency attached by ClinVar (database versions not stated): gnomAD exomes below 0.00001; ExAC 0.00001.
gnomAD v4.1: 1 of 1,614,212 alleles (0.000062%); highest among the groups gnomAD compares: South Asian, 0.0011%; no homozygotes.

Submission:

Labcorp Genetics (formerly Invitae), Labcorp
Classification: Uncertain significance. Last evaluated: 2021-07-13. Review status: criteria provided, single submitter. Criteria: Invitae Variant Classification Sherloc (09022015). Collection method: clinical testing. Allele origin: germline.
Comment: Algorithms developed to predict the effect of missense changes on protein structure and function output the following: SIFT: "Tolerated"; PolyPhen-2: "Benign"; Align-GVGD: "Class C0". The valine amino acid residue is found in multiple mammalian species, which suggests that this missense change does not adversely affect protein function. In summary, the available evidence is currently insufficient to determine the role of this variant in disease. Therefore, it has been classified as a Variant of Uncertain Significance. This sequence change replaces alanine with valine at codon 714 of the REST protein (p.Ala714Val). The alanine residue is weakly conserved and there is a small physicochemical difference between alanine and valine. This variant is present in population databases (rs770664440, ExAC 0.01%). This variant has not been reported in the literature in individuals affected with REST-related conditions.

NM_005612.5(REST):c.2141C>T (p.Ala714Val)

Gene: REST (RE1 silencing transcription factor; plus strand). Cytogenetic location: 4q12.
Variant type: single nucleotide variant.
Coding change: c.2141C>T on transcript NM_005612.5 (MANE Select); coding-DNA position 2141, C replaced by T.
Protein change: p.Ala714Val; replaces alanine 714 with valine.
Molecular consequence: missense variant.
Genome position (GRCh38, 1-based): chr4:56,930,999, C>T. VCF-style: chr4-56930999-C-T. GRCh37 (hg19) VCF-style: chr4-57797165-C-T.
Other names: c.2141C>T, p.Ala714Val (NM_001193508.2, NM_001363453.3); short protein forms A714V.
Identifiers: ClinVar variation 1403829 (VCV001403829.8), dbSNP rs770664440, ClinGen allele CA2932418.
Genomic context (GRCh38, chr4:56,930,999, plus strand): 5'-CTCAGACGGAGGTTGCCCAAATGGGGCCTGCTCCCATGGAACCTGCTCAGATGGAGGTTG[C>T]CCAGGTAGAATCTGCTCCCATGCAGGTGGTCCAGAAGGAGCCTGTTCAGATGGAGCTGTC-3'
Protein context (NP_005603.3, residues 704-724): APMEPAQMEV[Ala714Val]QVESAPMQVV